The following is an entry in ClinVar:

ClinVar aggregate classification (germline): Conflicting classifications of pathogenicity. Review status: criteria provided, conflicting classifications (1 of 4 stars). 4 submissions from 4 submitters: Uncertain significance (2); Likely benign (2). Last evaluated 2026-02-09.

Conditions:
Alagille syndrome due to a NOTCH2 point mutation. Also called: Alagille syndrome 2. Identifiers: Orphanet 261629, Orphanet 52, MedGen C1857761, MONDO:0012439, OMIM 610205.
Hajdu-Cheney syndrome (HJCYS). Also called: ACROOSTEOLYSIS WITH OSTEOPOROSIS AND CHANGES IN SKULL AND MANDIBLE; SERPENTINE FIBULA-POLYCYSTIC KIDNEY SYNDROME; Acroosteolysis dominant type. Identifiers: Orphanet 955, MedGen C0917715, MONDO:0007057, OMIM 102500.
NOTCH2-related disorder. Also called: NOTCH2-related condition.

Allele frequency attached by ClinVar (database versions not stated): gnomAD 0.00005 and 0.00006; ExAC 0.00006; gnomAD exomes 0.00006; TOPMed 0.00008.
gnomAD v4.1: 134 of 1,613,910 alleles (0.0083%); highest among the groups gnomAD compares: Middle Eastern, 0.049%; no homozygotes.

Submissions (4):

PreventionGenetics, part of Exact Sciences
Classification: Likely benign for NOTCH2-related condition. Last evaluated: 2026-02-09. Review status: criteria provided, single submitter. Criteria: ACMG Guidelines, 2015. Collection method: clinical testing. Allele origin: germline.
Comment: This variant is classified as likely benign based on ACMG/AMP sequence variant interpretation guidelines (Richards et al. 2015 PMID: 25741868, with internal and published modifications).

Labcorp Genetics (formerly Invitae), Labcorp
Classification: Uncertain significance for Hajdu-Cheney syndrome. Last evaluated: 2025-12-12. Review status: criteria provided, single submitter. Criteria: Invitae Variant Classification Sherloc (09022015). Collection method: clinical testing. Allele origin: germline.
Comment: This sequence change replaces arginine, which is basic and polar, with histidine, which is basic and polar, at codon 1410 of the NOTCH2 protein (p.Arg1410His). This variant is present in population databases (rs202022988, gnomAD 0.02%). This variant has not been reported in the literature in individuals affected with NOTCH2-related conditions. ClinVar contains an entry for this variant (Variation ID: 1513963). Invitae Evidence Modeling of protein sequence and biophysical properties (such as structural, functional, and spatial information, amino acid conservation, physicochemical variation, residue mobility, and thermodynamic stability) indicates that this missense variant is not expected to disrupt NOTCH2 protein function with a negative predictive value of 80%. In summary, the available evidence is currently insufficient to determine the role of this variant in disease. Therefore, it has been classified as a Variant of Uncertain Significance.

Blueprint Genetics
Classification: Likely benign. Last evaluated: 2024-08-23. Review status: criteria provided, single submitter. Criteria: ACMG Guidelines, 2015. Collection method: clinical testing. Allele origin: germline.

Fulgent Genetics
Classification: Uncertain significance for Hajdu-Cheney syndrome; Alagille syndrome due to a NOTCH2 point mutation. Last evaluated: 2024-06-11. Review status: criteria provided, single submitter. Criteria: ACMG Guidelines, 2015. Collection method: clinical testing. Allele origin: germline.

NM_024408.4(NOTCH2):c.4229G>A (p.Arg1410His)

Gene: NOTCH2 (notch receptor 2; minus strand). Cytogenetic location: 1p12.
Variant type: single nucleotide variant.
Coding change: c.4229G>A on transcript NM_024408.4 (MANE Select); coding-DNA position 4229, G replaced by A.
Protein change: p.Arg1410His; replaces arginine 1410 with histidine.
Molecular consequence: missense variant.
Genome position (GRCh38, 1-based): chr1:119,925,587, C>T on the plus strand (G>A on the coding strand, the complement: NOTCH2 is on the minus strand). VCF-style: chr1-119925587-C-T. GRCh37 (hg19) VCF-style: chr1-120468210-C-T.
Other names: c.4229G>A (NM_024408.3); short protein forms R1410H.
Identifiers: ClinVar variation 1513963 (VCV001513963.12), dbSNP rs202022988, ClinGen allele CA1039892.
Genomic context (GRCh38, chr1:119,925,587, plus strand): 5'-CAATACTGGCTCAGACAGGTGGCAGGAGGGGTGCTGGGGGGTGCCGTGTAGAGTTCACAG[C>T]GGCTACCCGAGAATGGTGGGGCACACTGGCAGGAGTAATAAGGAGGCTGGCGCTGAGGGT-3'
Protein context (NP_077719.2, residues 1400-1420): CQCAPPFSGS[Arg1410His]CELYTAPPST